The following is an entry in ClinVar:

NM_017514.5(PLXNA3):c.1996C>T (p.Arg666Cys)

Gene: PLXNA3 (plexin A3; plus strand). Cytogenetic location: Xq28.
Variant type: single nucleotide variant.
Coding change: c.1996C>T on transcript NM_017514.5 (MANE Select); coding-DNA position 1996, C replaced by T.
Protein change: p.Arg666Cys; replaces arginine 666 with cysteine.
Molecular consequence: missense variant.
Genome position (GRCh38, 1-based): chrX:154,464,821, C>T. VCF-style: chrX-154464821-C-T. GRCh37 (hg19) VCF-style: chrX-153693164-C-T.
Other names: c.1996C>T (NM_017514.3); short protein forms R666C.
Identifiers: ClinVar variation 3347230 (VCV003347230.3).

ClinVar aggregate classification (germline): Uncertain significance. Review status: criteria provided, multiple submitters, no conflicts (2 of 4 stars). 2 submissions from 2 submitters: Uncertain significance (2). Last evaluated 2025-08-10.

Conditions:
PLXNA3-related disorder. Also called: PLXNA3-related condition.

gnomAD v4.1: 92 of 1,206,485 alleles (0.0076%); highest among the groups gnomAD compares: South Asian, 0.029%; 1 homozygote.

Submissions (2):

Ambry Genetics
Classification: Uncertain significance. Last evaluated: 2025-08-10. Review status: criteria provided, single submitter. Criteria: Ambry Variant Classification Scheme 2023. Collection method: clinical testing. Allele origin: germline.

PreventionGenetics, part of Exact Sciences
Classification: Uncertain significance for PLXNA3-related condition. Last evaluated: 2025-07-25. Review status: criteria provided, single submitter. Criteria: ACMG Guidelines, 2015. Collection method: clinical testing. Allele origin: germline.
Comment: The PLXNA3 c.1996C>T variant is predicted to result in the amino acid substitution p.Arg666Cys. To our knowledge, this variant has not been reported in the literature. An alternate missense change at the same amino acid position (p.Arg666His) has been reported in the hemizygous state in an individual with intrauterine growth retardation, seizures, and dysmorphic features (Table S1, Monies et al. 2019. PubMed ID: 31130284). The p.Arg666Cys variant is reported in 0.017% of alleles in individuals of South Asian descent in gnomAD, including 5 hemizygotes. In gnomAD v4 (available only on GRCh38), this variant is reported in 29 hemizygotes, which is not consistent with this variant being a primary cause of disease. Although we suspect that this variant may be benign, at this time, the clinical significance of this variant is uncertain due to the absence of conclusive functional and genetic evidence.